The following is an entry in ClinVar:

ClinVar aggregate classification (germline): Uncertain significance (1 of 4 stars; one submission).

Conditions:
Multiple gastrointestinal atresias. Also called: Multiple intestinal atresia; FAMILIAL INTESTINAL POLYATRESIA SYNDROME. Identifiers: Orphanet 2300, MedGen C0220744, MONDO:0009465.

Allele frequency attached by ClinVar (database versions not stated): ExAC 0.00002; gnomAD exomes 0.00002.
gnomAD v4.1: 35 of 1,613,948 alleles (0.0022%); highest among the groups gnomAD compares: Non-Finnish European, 0.003%; no homozygotes.

Submission:

Labcorp Genetics (formerly Invitae), Labcorp
Classification: Uncertain significance for Multiple gastrointestinal atresias. Last evaluated: 2022-01-13. Review status: criteria provided, single submitter. Criteria: Invitae Variant Classification Sherloc (09022015). Collection method: clinical testing. Allele origin: germline.
Comment: This sequence change replaces methionine, which is neutral and non-polar, with isoleucine, which is neutral and non-polar, at codon 591 of the TTC7A protein (p.Met591Ile). This variant is present in population databases (rs760668267, gnomAD 0.003%). This variant has not been reported in the literature in individuals affected with TTC7A-related conditions. Algorithms developed to predict the effect of missense changes on protein structure and function (SIFT, PolyPhen-2, Align-GVGD) all suggest that this variant is likely to be tolerated. Algorithms developed to predict the effect of sequence changes on RNA splicing suggest that this variant may create or strengthen a splice site. In summary, the available evidence is currently insufficient to determine the role of this variant in disease. Therefore, it has been classified as a Variant of Uncertain Significance.

NM_020458.4(TTC7A):c.1773G>A (p.Met591Ile)

Gene: TTC7A (tetratricopeptide repeat domain 7A; plus strand). Cytogenetic location: 2p21.
Variant type: single nucleotide variant.
Coding change: c.1773G>A on transcript NM_020458.4 (MANE Select); coding-DNA position 1773, G replaced by A.
Protein change: p.Met591Ile; replaces methionine 591 with isoleucine.
Molecular consequence: missense variant.
Genome position (GRCh38, 1-based): chr2:47,029,355, G>A. VCF-style: chr2-47029355-G-A. GRCh37 (hg19) VCF-style: chr2-47256494-G-A.
Other names: c.1773G>A, p.Met591Ile (NM_001288951.2); c.1671G>A, p.Met557Ile (NM_001288953.2); c.711G>A, p.Met237Ile (NM_001288955.2); short protein forms M237I, M557I, M591I.
Identifiers: ClinVar variation 2174710 (VCV002174710.1), dbSNP rs760668267, ClinGen allele CA1647839.